The following is an entry in ClinVar:

NM_001349253.2(SCN11A):c.1025_1047dup (p.Ala351fs)

Gene: SCN11A (sodium voltage-gated channel alpha subunit 11; minus strand). Cytogenetic location: 3p22.2.
Variant type: Duplication.
Coding change: c.1025_1047dup on transcript NM_001349253.2 (MANE Select); coding-DNA positions 1025 to 1047, 23 bases duplicated (TTGACAACTTTGGCTGGTCTTTT).
Protein change: p.Ala351fs; shifts the reading frame from alanine 351.
Molecular consequence: frameshift variant.
Genome position (GRCh38, 1-based): chr3:38,910,120-38,910,142, AAAAGACCAGCCAAAGTTGTCAA duplicated on the plus strand (TTGACAACTTTGGCTGGTCTTTT on the coding strand, the reverse complement: SCN11A is on the minus strand); duplicating any 23 consecutive bases within chr3:38,910,120-38,910,144 gives the same sequence; the c. name uses the placement nearest the transcript's 3' end. VCF-style (leftmost placement, unchanged base first): chr3-38910119-G-GAAAAGACCAGCCAAAGTTGTCAA. GRCh37 (hg19) VCF-style: chr3-38951610-G-GAAAAGACCAGCCAAAGTTGTCAA.
Other names: c.1025_1047dup, p.Ala351fs (NM_014139.3); short protein forms A351fs.
Identifiers: ClinVar variation 2110548 (VCV002110548.4), dbSNP rs2470601843, ClinGen allele CA2580069796.

ClinVar aggregate classification (germline): Uncertain significance (1 of 4 stars; one submission).

Conditions:
Hereditary sensory and autonomic neuropathy type 7. Also called: HSAN VII; Neuropathy, hereditary sensory and autonomic, type VII. Identifiers: Orphanet 391397, MedGen C3809882, MONDO:0014244, OMIM 615548.
Familial episodic pain syndrome with predominantly lower limb involvement. Also called: Episodic pain syndrome, familial, 3. Identifiers: Orphanet 391384, Orphanet 391392, MedGen C3809899, MONDO:0014247, OMIM 615552.

Submission:

Labcorp Genetics (formerly Invitae), Labcorp
Classification: Uncertain significance for Familial episodic pain syndrome with predominantly lower limb involvement; Hereditary sensory and autonomic neuropathy type 7. Last evaluated: 2022-06-26. Review status: criteria provided, single submitter. Criteria: Invitae Variant Classification Sherloc (09022015). Collection method: clinical testing. Allele origin: germline.
Comment: In summary, the available evidence is currently insufficient to determine the role of this variant in disease. Therefore, it has been classified as a Variant of Uncertain Significance. Algorithms developed to predict the effect of sequence changes on RNA splicing suggest that this variant may disrupt the consensus splice site. This variant has not been reported in the literature in individuals affected with SCN11A-related conditions. This variant is not present in population databases (gnomAD no frequency). This sequence change creates a premature translational stop signal (p.Ala351Thrfs*13) in the SCN11A gene. It is expected to result in an absent or disrupted protein product. However, the current clinical and genetic evidence is not sufficient to establish whether loss-of-function variants in SCN11A cause disease.